The following is an entry in ClinVar:

ClinVar aggregate classification (germline): Likely benign (1 of 4 stars; one submission).

Submission:

CeGaT Center for Human Genetics Tuebingen
Classification: Likely benign. Last evaluated: 2024-09-01. Review status: criteria provided, single submitter. Criteria: CeGaT Center For Human Genetics Tuebingen Variant Classification Criteria Version 2. Collection method: clinical testing. Allele origin: germline. Affected: yes. Observed: 2 variant alleles.
Comment: KATNIP: PM2:Supporting, BP4, BP7

NM_015202.5(KATNIP):c.4080A>G (p.Glu1360=)

Genes: KATNIP (katanin interacting protein; plus strand), LOC126862323 (P300/CBP strongly-dependent group 1 enhancer GRCh37_chr16:27780758-27781957; plus strand). Cytogenetic location: 16p12.1.
Variant type: single nucleotide variant.
Coding change: c.4080A>G on transcript NM_015202.5 (MANE Select); coding-DNA position 4080, A replaced by G.
Protein change: p.Glu1360=; no amino-acid change (glutamic acid 1360 retained).
Molecular consequence: synonymous variant.
Genome position (GRCh38, 1-based): chr16:27,769,965, A>G. VCF-style: chr16-27769965-A-G. GRCh37 (hg19) VCF-style: chr16-27781286-A-G.
Identifiers: ClinVar variation 2646343 (VCV002646343.24), dbSNP rs2543403902, ClinGen allele CA494262438.